The following is an entry in ClinVar:

ClinVar aggregate classification (germline): Uncertain significance (1 of 4 stars; one submission).

Allele frequency attached by ClinVar (database versions not stated): ExAC 0.00001; TOPMed 0.00001; gnomAD 0.00002; gnomAD exomes 0.00002.
gnomAD v4.1: 37 of 1,613,592 alleles (0.0023%); highest among the groups gnomAD compares: Non-Finnish European, 0.003%; no homozygotes.

Submission:

Ambry Genetics
Classification: Uncertain significance. Last evaluated: 2023-08-25. Review status: criteria provided, single submitter. Criteria: Ambry Variant Classification Scheme 2023. Collection method: clinical testing. Allele origin: germline.
Comment: The p.R668Q variant (also known as c.2003G>A), located in coding exon 13 of the POLQ gene, results from a G to A substitution at nucleotide position 2003. The arginine at codon 668 is replaced by glutamine, an amino acid with highly similar properties. This amino acid position is conserved. In addition, this alteration is predicted to be tolerated by in silico analysis. Since supporting evidence is limited at this time, the clinical significance of this alteration remains unclear.

NM_199420.4(POLQ):c.2003G>A (p.Arg668Gln)

Gene: POLQ (DNA polymerase theta; minus strand). Cytogenetic location: 3q13.33.
Variant type: single nucleotide variant.
Coding change: c.2003G>A on transcript NM_199420.4 (MANE Select); coding-DNA position 2003, G replaced by A.
Protein change: p.Arg668Gln; replaces arginine 668 with glutamine.
Molecular consequence: missense variant.
Genome position (GRCh38, 1-based): chr3:121,498,627, C>T on the plus strand (G>A on the coding strand, the complement: POLQ is on the minus strand). VCF-style: chr3-121498627-C-T. GRCh37 (hg19) VCF-style: chr3-121217474-C-T.
Other names: short protein forms R668Q.
Identifiers: ClinVar variation 1784285 (VCV001784285.3), dbSNP rs747642530, ClinGen allele CA2563389.